The following is an entry in ClinVar:

ClinVar aggregate classification (germline): Uncertain significance (1 of 4 stars; one submission).

Conditions:
Autosomal dominant nocturnal frontal lobe epilepsy 5. Also called: Epilepsy, nocturnal frontal lobe, 5; CILIARY DYSKINESIA, PRIMARY, 28, WITHOUT SITUS INVERSUS; CILIARY DYSKINESIA, PRIMARY, 28, WITH SITUS INVERSUS; KCNT1-Related Epilepsy. Identifiers: Orphanet 98784, MedGen C3554306, MONDO:0014002, OMIM 615005.
Developmental and epileptic encephalopathy, 14 (DEE14). Also called: Early infantile epileptic encephalopathy 14. Identifiers: Orphanet 293181, MedGen C3554195, MONDO:0013989, OMIM 614959.

Submission:

Labcorp Genetics (formerly Invitae), Labcorp
Classification: Uncertain significance for Autosomal dominant nocturnal frontal lobe epilepsy 5; Developmental and epileptic encephalopathy, 14. Last evaluated: 2023-03-31. Review status: criteria provided, single submitter. Criteria: Invitae Variant Classification Sherloc (09022015). Collection method: clinical testing. Allele origin: germline.
Comment: In summary, the available evidence is currently insufficient to determine the role of this variant in disease. Therefore, it has been classified as a Variant of Uncertain Significance. This variant has not been reported in the literature in individuals affected with KCNT1-related conditions. This variant is not present in population databases (gnomAD no frequency). This sequence change creates a premature translational stop signal (p.Glu748*) in the KCNT1 gene. It is expected to result in an absent or disrupted protein product. However, the current clinical and genetic evidence is not sufficient to establish whether loss-of-function variants in KCNT1 cause disease.

NM_020822.3(KCNT1):c.2242G>T (p.Glu748Ter)

Gene: KCNT1 (potassium sodium-activated channel subfamily T member 1; plus strand). Cytogenetic location: 9q34.3.
Variant type: single nucleotide variant.
Coding change: c.2242G>T on transcript NM_020822.3 (MANE Select); coding-DNA position 2242, G replaced by T.
Protein change: p.Glu748Ter; replaces glutamic acid 748 with a stop codon.
Molecular consequence: nonsense.
Genome position (GRCh38, 1-based): chr9:135,772,948, G>T. VCF-style: chr9-135772948-G-T. GRCh37 (hg19) VCF-style: chr9-138664794-G-T.
Other names: c.2107G>T, p.Glu703Ter (NM_001272003.2); short protein forms E703*, E748*.
Identifiers: ClinVar variation 2945764 (VCV002945764.3), dbSNP rs2490990186, ClinGen allele CA375511301.
Genomic context (GRCh38, chr9:135,772,948, plus strand): 5'-CTGAGCGACCAGTCGGAGGATGAGGTGACGCCGTCGGACGACGAGGGGCTCTCCGTGGTA[G>T]AGTGAGTGCTGCCTTGGAGACGGCTCCCAGTGGGGGGAGGAGCCGCCCATGAGTGCGGGG-3'